The following is an entry in ClinVar:

ClinVar aggregate classification (germline): Uncertain significance. Review status: criteria provided, multiple submitters, no conflicts (2 of 4 stars). 2 submissions from 2 submitters: Uncertain significance (2). Last evaluated 2023-05-28.

Conditions:
Hereditary cancer-predisposing syndrome. Also called: Tumor predisposition; Neoplastic Syndromes, Hereditary; Hereditary neoplastic syndrome; Hereditary Cancer Syndrome. Identifiers: Orphanet 140162, MedGen C0027672, MeSH D009386, MONDO:0015356.

Submissions (2):

Ambry Genetics
Classification: Uncertain significance for Hereditary cancer-predisposing syndrome. Last evaluated: 2023-05-28. Review status: criteria provided, single submitter. Criteria: Ambry Variant Classification Scheme 2023. Collection method: clinical testing. Allele origin: germline.
Comment: The p.I1289F variant (also known as c.3865A>T), located in coding exon 25 of the RAD50 gene, results from an A to T substitution at nucleotide position 3865. The isoleucine at codon 1289 is replaced by phenylalanine, an amino acid with highly similar properties. This amino acid position is conserved. In addition, this alteration is predicted to be deleterious by in silico analysis. Since supporting evidence is limited at this time, the clinical significance of this alteration remains unclear.

Labcorp Genetics (formerly Invitae), Labcorp
Classification: Uncertain significance for Hereditary cancer-predisposing syndrome. Last evaluated: 2019-05-20. Review status: criteria provided, single submitter. Criteria: Invitae Variant Classification Sherloc (09022015). Collection method: clinical testing. Allele origin: germline.
Comment: In summary, the available evidence is currently insufficient to determine the role of this variant in disease. Therefore, it has been classified as a Variant of Uncertain Significance. Algorithms developed to predict the effect of sequence changes on RNA splicing suggest that this variant may create or strengthen a splice site, but this prediction has not been confirmed by published transcriptional studies. Algorithms developed to predict the effect of missense changes on protein structure and function are either unavailable or do not agree on the potential impact of this missense change (SIFT: "Deleterious"; PolyPhen-2: "Benign"; Align-GVGD: "Class C0"). This variant has not been reported in the literature in individuals with RAD50-related conditions. This variant is not present in population databases (ExAC no frequency). This sequence change replaces isoleucine with phenylalanine at codon 1289 of the RAD50 protein (p.Ile1289Phe). The isoleucine residue is weakly conserved and there is a small physicochemical difference between isoleucine and phenylalanine.

NM_005732.4(RAD50):c.3865A>T (p.Ile1289Phe)

Genes: TH2LCRR (T helper type 2 locus control region associated RNA; minus strand), RAD50 (RAD50 double strand break repair protein; plus strand). Cytogenetic location: 5q31.1.
Variant type: single nucleotide variant.
Coding change: c.3865A>T on transcript NM_005732.4 (MANE Select); coding-DNA position 3865, A replaced by T.
Protein change: p.Ile1289Phe; replaces isoleucine 1289 with phenylalanine.
Molecular consequence: missense variant.
Genome position (GRCh38, 1-based): chr5:132,642,290, A>T. VCF-style: chr5-132642290-A-T. GRCh37 (hg19) VCF-style: chr5-131977982-A-T.
Other names: short protein forms I1289F.
Identifiers: ClinVar variation 848533 (VCV000848533.11), dbSNP rs1751743610, ClinGen allele CA360937012.